The following is an entry in ClinVar:

NM_001038.6(SCNN1A):c.-93A>G

Genes: LTBR (lymphotoxin beta receptor; plus strand), SCNN1A (sodium channel epithelial 1 subunit alpha; minus strand). Cytogenetic location: 12p13.31.
Variant type: single nucleotide variant.
Coding change: c.-93A>G on transcript NM_001038.6 (MANE Select); 93 bases upstream of the start codon, A replaced by G.
Molecular consequence: 5 prime UTR variant. On other transcripts: intron variant (1).
Genome position (GRCh38, 1-based): chr12:6,375,543, T>C on the plus strand (A>G on the coding strand, the complement: SCNN1A is on the minus strand). VCF-style: chr12-6375543-T-C. GRCh37 (hg19) VCF-style: chr12-6484709-T-C.
Other names: c.-13T>C (NM_001270987.2, NM_001414309.1); c.16-706A>G (NM_001159575.2).
Identifiers: ClinVar variation 310159 (VCV000310159.9), dbSNP rs10849447, ClinGen allele CA6406383.

ClinVar aggregate classification (germline): Benign. Review status: criteria provided, multiple submitters, no conflicts (2 of 4 stars). 4 submissions from 3 submitters: Benign (4). Last evaluated 2024-11-27.

Conditions:
Pseudohypoaldosteronism, type IB1, autosomal recessive. Also called: Autosomal recessive pseudohypoaldosteronism type 1; Pseudohypoaldosteronism, Type I, Recessive; PHA I, AUTOSOMAL RECESSIVE; Pseudohypoaldosteronism, Type I, Autosomal Recessive. Identifiers: Orphanet 171876, Orphanet 756, MedGen C5774176, MONDO:0009917, OMIM 264350.
Bronchiectasis with or without elevated sweat chloride 2 (BESC2). Identifiers: Orphanet 60033, MedGen C2751666, MONDO:0013087, OMIM 613021.

Allele frequency attached by ClinVar (database versions not stated): TOPMed 0.66833; gnomAD exomes 0.55708 and 0.61549; gnomAD 0.66114 and 0.66126; 1000 Genomes Project 30x 0.76234; ExAC 0.58205; 1000 Genomes Project 0.75679.
gnomAD v4.1: 869,885 of 1,533,478 alleles (57%); highest among the groups gnomAD compares: African/African-American, 91%; 256,433 homozygotes.

Submissions (4):

Blueprint Genetics
Classification: Benign. Last evaluated: 2024-11-27. Review status: criteria provided, single submitter. Criteria: ACMG Guidelines, 2015. Collection method: clinical testing. Allele origin: germline.

Illumina Laboratory Services, Illumina
Classification: Benign for Bronchiectasis with or without elevated sweat chloride 2. Last evaluated: 2018-01-13. Review status: criteria provided, single submitter. Criteria: ICSL Variant Classification Criteria 13 December 2019. Collection method: clinical testing. Allele origin: germline.
Comment: This variant was observed in the ICSL laboratory as part of a predisposition screen in an ostensibly healthy population. It had not been previously curated by ICSL or reported in the Human Gene Mutation Database (HGMD: prior to June 1st, 2018), and was therefore a candidate for classification through an automated scoring system. Utilizing variant allele frequency, disease prevalence and penetrance estimates, and inheritance mode, an automated score was calculated to assess if this variant is too frequent to cause the disease. Based on the score and internal cut-off values, a variant classified as benign is not then subjected to further curation. The score for this variant resulted in a classification of benign for this disease.

Illumina Laboratory Services, Illumina
Classification: Benign for Pseudohypoaldosteronism, type IB1, autosomal recessive. Last evaluated: 2018-01-13. Review status: criteria provided, single submitter. Criteria: ICSL Variant Classification Criteria 13 December 2019. Collection method: clinical testing. Allele origin: germline.
Comment: the same text as in the submission from Illumina Laboratory Services, Illumina above.

Breakthrough Genomics
Classification: Benign. Review status: criteria provided, single submitter. Criteria: ACMG Guidelines, 2015. Collection method: not provided. Allele origin: germline. Inheritance: Autosomal recessive inheritance. Affected: yes.